The following is an entry in ClinVar:

NM_001079855.2(GYG2):c.325G>A (p.Val109Met)

Gene: GYG2 (glycogenin 2; plus strand). Cytogenetic location: Xp22.33.
Variant type: single nucleotide variant.
Coding change: c.325G>A on transcript NM_001079855.2 (MANE Select); coding-DNA position 325, G replaced by A.
Protein change: p.Val109Met; replaces valine 109 with methionine.
Molecular consequence: missense variant. On other transcripts: 5 prime UTR variant (1).
Genome position (GRCh38, 1-based): chrX:2,854,993, G>A. VCF-style: chrX-2854993-G-A. GRCh37 (hg19) VCF-style: chrX-2773034-G-A.
Other names: c.325G>A, p.Val109Met (NM_001184702.2); c.418G>A, p.Val140Met (NM_001184703.2, NM_003918.3); c.-141G>A (NM_001184704.2); short protein forms V109M, V140M.
Identifiers: ClinVar variation 4802554 (VCV004802554.1).

ClinVar aggregate classification (germline): Uncertain significance (1 of 4 stars; one submission).

Submission:

Labcorp Genetics (formerly Invitae), Labcorp
Classification: Uncertain significance. Last evaluated: 2025-10-07. Review status: criteria provided, single submitter. Criteria: Invitae Variant Classification Sherloc (09022015). Collection method: clinical testing. Allele origin: germline.
Comment: This sequence change replaces valine, which is neutral and non-polar, with methionine, which is neutral and non-polar, at codon 140 of the GYG2 protein (p.Val140Met). This variant is present in population databases (rs150879214, gnomAD 0.006%). This variant has not been reported in the literature in individuals affected with GYG2-related conditions. An algorithm developed to predict the effect of missense changes on protein structure and function (PolyPhen-2) suggests that this variant is likely to be disruptive. Algorithms developed to predict the effect of sequence changes on RNA splicing suggest that this variant may disrupt the consensus splice site. In summary, the available evidence is currently insufficient to determine the role of this variant in disease. Therefore, it has been classified as a Variant of Uncertain Significance.